The following is an entry in ClinVar:

ClinVar aggregate classification (germline): Uncertain significance (1 of 4 stars; one submission).

Conditions:
Inborn genetic diseases. Identifiers: MedGen C0950123, MeSH D030342.

Allele frequency attached by ClinVar (database versions not stated): gnomAD exomes below 0.00001; TOPMed 0.00002; gnomAD 0.00003; ESP Exome Variant Server 0.00008.
gnomAD v4.1: 6 of 1,609,524 alleles (0.00037%); highest among the groups gnomAD compares: African/African-American, 0.008%; no homozygotes.

Submission:

Ambry Genetics
Classification: Uncertain significance for Inborn genetic diseases. Last evaluated: 2023-12-06. Review status: criteria provided, single submitter. Criteria: Ambry Variant Classification Scheme 2023. Collection method: clinical testing. Allele origin: germline.
Comment: The c.571-1G>A intronic variant results from a G to A substitution one nucleotide before coding exon 9 of the VPS41 gene. Alterations that disrupt the canonical splice site are expected to result in aberrant splicing. The resulting transcript is predicted to be in-frame and is not expected to trigger nonsense-mediated mRNA decay; however, direct evidence is unavailable. The exact functional effect of the altered amino acid sequence is unknown. This allele was reported in one heterozygous individual in population-based cohorts in the Genome Aggregation Database (gnomAD). This nucleotide position is highly conserved in available vertebrate species. In silico splice site analysis predicts that this alteration will weaken the native splice acceptor site and will result in the creation or strengthening of a novel splice acceptor site. Based on insufficient or conflicting evidence, the clinical significance of this alteration remains unclear.

NM_014396.4(VPS41):c.571-1G>A

Gene: VPS41 (VPS41 subunit of HOPS complex; minus strand). Cytogenetic location: 7p14.1.
Variant type: single nucleotide variant.
Coding change: c.571-1G>A on transcript NM_014396.4 (MANE Select); the canonical splice acceptor site of the intron before coding-DNA position 571, G replaced by A.
Molecular consequence: splice acceptor variant.
Genome position (GRCh38, 1-based): chr7:38,795,612, C>T on the plus strand (G>A on the coding strand, the complement: VPS41 is on the minus strand). VCF-style: chr7-38795612-C-T. GRCh37 (hg19) VCF-style: chr7-38835212-C-T.
Other names: c.496-1G>A (NM_080631.4).
Identifiers: ClinVar variation 3188970 (VCV003188970.1), dbSNP rs142833840, ClinGen allele CA157283095.